The following is an entry in ClinVar:

ClinVar aggregate classification (germline): Benign. Review status: criteria provided, multiple submitters, no conflicts (2 of 4 stars). 5 submissions from 5 submitters: Benign (5). Last evaluated 2026-02-04.

Conditions:
DOCK2 deficiency. Also called: Immunodeficiency 40. Identifiers: Orphanet 447737, MedGen C4225328, MONDO:0014637, OMIM 616433.

Allele frequency attached by ClinVar (database versions not stated): ESP Exome Variant Server 0.42319; ExAC 0.39213; TOPMed 0.43179; 1000 Genomes Project 0.49920; gnomAD exomes 0.38850 and 0.34833; gnomAD 0.41818 and 0.41951; 1000 Genomes Project 30x 0.49563.
gnomAD v4.1: 574,113 of 1,613,418 alleles (36%); highest among the groups gnomAD compares: African/African-American, 60%; 107,748 homozygotes.

Submissions (5):

Labcorp Genetics (formerly Invitae), Labcorp
Classification: Benign for DOCK2 deficiency. Last evaluated: 2026-02-04. Review status: criteria provided, single submitter. Criteria: Invitae Variant Classification Sherloc (09022015). Collection method: clinical testing. Allele origin: germline.

Women's Health and Genetics/Laboratory Corporation of America, LabCorp
Classification: Benign. Last evaluated: 2026-01-21. Review status: criteria provided, single submitter. Criteria: LabCorp Variant Classification Summary - May 2015. Collection method: clinical testing. Allele origin: germline.

Unidad de Genómica Garrahan, Hospital de Pediatría Garrahan
Classification: Benign. Last evaluated: 2024-01-24. Review status: criteria provided, single submitter. Criteria: ACMG Guidelines, 2015. Collection method: clinical testing. Allele origin: germline. Affected: no. Observed: 61 variant alleles.
Comment: This variant is classified as Benign based on local population frequency. This variant was detected in 64% of patients studied by a panel of primary immunodeficiencies. Number of patients: 61. Only high quality variants are reported.

Mayo Clinic Laboratories, Mayo Clinic
Classification: Benign. Last evaluated: 2022-09-06. Review status: criteria provided, single submitter. Criteria: ACMG Guidelines, 2015. Collection method: clinical testing. Allele origin: germline. Observed: 17 variant alleles.

Genome-Nilou Lab
Classification: Benign for DOCK2 deficiency. Last evaluated: 2021-07-30. Review status: criteria provided, single submitter. Criteria: ACMG Guidelines, 2015. Collection method: clinical testing. Allele origin: germline. Affected: no.

NM_004946.3(DOCK2):c.3468-4G>A

Gene: DOCK2 (dedicator of cytokinesis 2; plus strand). Cytogenetic location: 5q35.1.
Variant type: single nucleotide variant.
Coding change: c.3468-4G>A on transcript NM_004946.3 (MANE Select); 4 bases into the intron before coding-DNA position 3468, G replaced by A.
Molecular consequence: intron variant.
Genome position (GRCh38, 1-based): chr5:170,034,395, G>A. VCF-style: chr5-170034395-G-A. GRCh37 (hg19) VCF-style: chr5-169461399-G-A.
Other names: p.?.
Identifiers: ClinVar variation 1165008 (VCV001165008.16), dbSNP rs3763047, ClinGen allele CA3554232.